The following is an entry in ClinVar:

ClinVar aggregate classification (germline): Likely benign (1 of 4 stars; one submission).

Conditions:
Long QT syndrome (LQTS). Identifiers: MedGen C0023976, MeSH D008133, MONDO:0002442. Disease mechanism: loss of function. Inheritance: Various modes of inheritance.

Submission:

All of Us Research Program, National Institutes of Health
Classification: Likely benign for Long QT syndrome. Last evaluated: 2023-09-17. Review status: criteria provided, single submitter. Criteria: ACMG Guidelines, 2015. Collection method: clinical testing. Allele origin: germline. Inheritance: Autosomal dominant inheritance. Observed: 1 variant allele, 1 heterozygote.
Comment: This study involves interpretation of variants in research participants for the purpose of population health screening. Participant phenotype was not available at the time of variant classification. Additional details can be found in publication PMID: 35346344, PMCID: PMC8962531

NM_000218.3(KCNQ1):c.2013C>G (p.Gly671=)

Genes: KCNQ1 (potassium voltage-gated channel subfamily Q member 1; plus strand), KCNQ1-AS1 (KCNQ1 antisense RNA 1; minus strand). Cytogenetic location: 11p15.4.
Variant type: single nucleotide variant.
Coding change: c.2013C>G on transcript NM_000218.3 (MANE Select); coding-DNA position 2013, C replaced by G.
Protein change: p.Gly671=; no amino-acid change (glycine 671 retained).
Molecular consequence: synonymous variant.
Genome position (GRCh38, 1-based): chr11:2,847,985, C>G. VCF-style: chr11-2847985-C-G. GRCh37 (hg19) VCF-style: chr11-2869215-C-G.
Other names: c.1917C>G, p.Gly639= (NM_001406836.1); c.1743C>G, p.Gly581= (NM_001406837.1); c.1473C>G, p.Gly491= (NM_001406838.1); c.525C>G, p.Gly175= (NM_001406839.1); c.1632C>G, p.Gly544= (NM_181798.2).
Identifiers: ClinVar variation 3073410 (VCV003073410.1), dbSNP rs2494327892, ClinGen allele CA472467367.